The following is an entry in ClinVar:

NM_000059.4(BRCA2):c.7797A>C (p.Glu2599Asp)

Gene: BRCA2 (BRCA2 DNA repair associated; plus strand). Cytogenetic location: 13q13.1.
Variant type: single nucleotide variant.
Coding change: c.7797A>C on transcript NM_000059.4 (MANE Select); coding-DNA position 7797, A replaced by C.
Protein change: p.Glu2599Asp; replaces glutamic acid 2599 with aspartic acid.
Molecular consequence: missense variant.
Genome position (GRCh38, 1-based): chr13:32,357,921, A>C. VCF-style: chr13-32357921-A-C. GRCh37 (hg19) VCF-style: chr13-32932058-A-C.
Other names: short protein forms E2599D.
Identifiers: ClinVar variation 1008104 (VCV001008104.9), dbSNP rs2072711979, ClinGen allele CA387746113.
Genomic context (GRCh38, chr13:32,357,921, plus strand): 5'-ACAGTTGGCTGATGGTGGATGGCTCATACCCTCCAATGATGGAAAGGCTGGAAAAGAAGA[A>C]TTTTATAGGTACTCTATGCAAAAAGATTGTGTGTTAACTTTTATGTATTCCCTCATCCCT-3'
Protein context (NP_000050.3, residues 2589-2609): PSNDGKAGKE[Glu2599Asp]FYRALCDTPG

ClinVar aggregate classification (germline): Uncertain significance (1 of 4 stars; one submission).

Conditions:
Hereditary breast ovarian cancer syndrome. Also called: BRCA1- and BRCA2-Associated Hereditary Breast and Ovarian Cancer; Hereditary breast and ovarian cancer; Hereditary breast and ovarian cancer syndrome; Breast and ovarian cancer; Hereditary breast and/or ovarian cancer syndrome; Hereditary breast and ovarian cancer syndrome (HBOC). Identifiers: Orphanet 145, MedGen C0677776, MeSH D061325, MONDO:0003582. Disease mechanism: loss of function.

Submission:

Labcorp Genetics (formerly Invitae), Labcorp
Classification: Uncertain significance for Hereditary breast ovarian cancer syndrome. Last evaluated: 2022-08-16. Review status: criteria provided, single submitter. Criteria: Invitae Variant Classification Sherloc (09022015). Collection method: clinical testing. Allele origin: germline.
Comment: This sequence change replaces glutamic acid, which is acidic and polar, with aspartic acid, which is acidic and polar, at codon 2599 of the BRCA2 protein (p.Glu2599Asp). This variant is not present in population databases (gnomAD no frequency). This variant has not been reported in the literature in individuals affected with BRCA2-related conditions. ClinVar contains an entry for this variant (Variation ID: 1008104). Algorithms developed to predict the effect of missense changes on protein structure and function (SIFT, PolyPhen-2, Align-GVGD) all suggest that this variant is likely to be disruptive. In summary, the available evidence is currently insufficient to determine the role of this variant in disease. Therefore, it has been classified as a Variant of Uncertain Significance.